The following is an entry in ClinVar:

NM_017934.7(PHIP):c.651G>A (p.Leu217=)

Gene: PHIP (PHIP subunit of CUL4-Ring ligase complex; minus strand). Cytogenetic location: 6q14.1.
Variant type: single nucleotide variant.
Coding change: c.651G>A on transcript NM_017934.7 (MANE Select); coding-DNA position 651, G replaced by A.
Protein change: p.Leu217=; no amino-acid change (leucine 217 retained).
Molecular consequence: synonymous variant.
Genome position (GRCh38, 1-based): chr6:79,026,114, C>T on the plus strand (G>A on the coding strand, the complement: PHIP is on the minus strand). VCF-style: chr6-79026114-C-T. GRCh37 (hg19) VCF-style: chr6-79735831-C-T.
Identifiers: ClinVar variation 3350704 (VCV003350704.1).

ClinVar aggregate classification (germline): Uncertain significance (0 of 4 stars; one submission).

Conditions:
PHIP-related disorder. Also called: PHIP-related condition; PHIP-related disorders.

gnomAD v4.1: 3 of 1,614,074 alleles (0.00019%); highest among the groups gnomAD compares: Non-Finnish European, 0.00025%; no homozygotes.

Submission:

PreventionGenetics, part of Exact Sciences
Classification: Uncertain significance for PHIP-related condition. Last evaluated: 2024-05-24. Review status: no assertion criteria provided. Collection method: clinical testing. Allele origin: germline.
Comment: The PHIP c.651G>A variant is not predicted to result in an amino acid change (p.=). This variant is predicted to enhance a nearby cryptic splice donor site based on prediction algorithms (Alamut Visual Plus v1.6.1). However, such predictions are not equivalent to functional evidence. To our knowledge, this variant has not been reported in the literature or in a large population database, indicating this variant is rare. Although we suspect that this variant may be benign, at this time, the clinical significance of this variant is uncertain due to the absence of conclusive functional and genetic evidence.